The following is an entry in ClinVar:

NM_013266.4(CTNNA3):c.2494A>T (p.Ile832Phe)

Gene: CTNNA3 (catenin alpha 3; minus strand). Cytogenetic location: 10q21.3.
Variant type: single nucleotide variant.
Coding change: c.2494A>T on transcript NM_013266.4 (MANE Select); coding-DNA position 2494, A replaced by T.
Protein change: p.Ile832Phe; replaces isoleucine 832 with phenylalanine.
Molecular consequence: missense variant.
Genome position (GRCh38, 1-based): chr10:65,920,524, T>A on the plus strand (A>T on the coding strand, the complement: CTNNA3 is on the minus strand). VCF-style: chr10-65920524-T-A. GRCh37 (hg19) VCF-style: chr10-67680282-T-A.
Other names: c.2494A>T, p.Ile832Phe (NM_001127384.3); short protein forms I832F.
Identifiers: ClinVar variation 941543 (VCV000941543.9), dbSNP rs376310020, ClinGen allele CA5519569.

ClinVar aggregate classification (germline): Uncertain significance (1 of 4 stars; one submission).

Conditions:
Arrhythmogenic right ventricular dysplasia 13. Also called: ARRHYTHMOGENIC RIGHT VENTRICULAR CARDIOMYOPATHY 13; Arrhythmogenic right ventricular dysplasia, familial, 13. Identifiers: MedGen C3810138, MONDO:0000908, OMIM 615616.

Allele frequency attached by ClinVar (database versions not stated): gnomAD exomes 0.00001; TOPMed 0.00001; ExAC 0.00002; ESP Exome Variant Server 0.00008.
gnomAD v4.1: 18 of 1,614,058 alleles (0.0011%); highest among the groups gnomAD compares: East Asian, 0.0022%; no homozygotes.

Submission:

Labcorp Genetics (formerly Invitae), Labcorp
Classification: Uncertain significance for Arrhythmogenic right ventricular dysplasia 13. Last evaluated: 2019-05-21. Review status: criteria provided, single submitter. Criteria: Invitae Variant Classification Sherloc (09022015). Collection method: clinical testing. Allele origin: germline.
Comment: In summary, the available evidence is currently insufficient to determine the role of this variant in disease. Therefore, it has been classified as a Variant of Uncertain Significance. Algorithms developed to predict the effect of missense changes on protein structure and function are either unavailable or do not agree on the potential impact of this missense change (SIFT: "Tolerated"; PolyPhen-2: "Not Available"; Align-GVGD: "Class C0"). This variant has not been reported in the literature in individuals with CTNNA3-related conditions. This variant is present in population databases (rs376310020, ExAC 0.004%). This sequence change replaces isoleucine with phenylalanine at codon 832 of the CTNNA3 protein (p.Ile832Phe). The isoleucine residue is moderately conserved and there is a small physicochemical difference between isoleucine and phenylalanine.